The following is an entry in ClinVar:

NM_053025.4(MYLK):c.3527C>T (p.Ala1176Val)

Gene: MYLK (myosin light chain kinase; minus strand). Cytogenetic location: 3q21.1.
Variant type: single nucleotide variant.
Coding change: c.3527C>T on transcript NM_053025.4 (MANE Select); coding-DNA position 3527, C replaced by T.
Protein change: p.Ala1176Val; replaces alanine 1176 with valine.
Molecular consequence: missense variant.
Genome position (GRCh38, 1-based): chr3:123,692,773, G>A on the plus strand (C>T on the coding strand, the complement: MYLK is on the minus strand). VCF-style: chr3-123692773-G-A. GRCh37 (hg19) VCF-style: chr3-123411620-G-A.
Other names: c.3527C>T (NM_053025.3); c.2999C>T, p.Ala1000Val (NM_001321309.2); c.3320C>T, p.Ala1107Val (NM_053026.4, NM_053028.4); c.3527C>T, p.Ala1176Val (NM_053027.4); short protein forms A1176V, A1000V, A1107V.
Identifiers: ClinVar variation 1351158 (VCV001351158.12), dbSNP rs369094329, ClinGen allele CA069751.

ClinVar aggregate classification (germline): Uncertain significance. Review status: criteria provided, multiple submitters, no conflicts (2 of 4 stars). 5 submissions from 5 submitters: Uncertain significance (4). 1 of the submissions does not count toward it. Last evaluated 2025-09-25.

Conditions:
MYLK-related disorder. Also called: MYLK-related condition.
Familial thoracic aortic aneurysm and aortic dissection (TAAD). Also called: Thoracic aortic aneurysms and dissections. Identifiers: Orphanet 91387, MedGen C4707243, MONDO:0019625.
Aortic aneurysm, familial thoracic 7 (AAT7). Also called: AORTIC DISSECTION, FAMILIAL, WITH OR WITHOUT AORTIC ANEURYSM. Identifiers: MedGen C3151077, MONDO:0013418, OMIM 613780.

Allele frequency attached by ClinVar (database versions not stated): gnomAD exomes below 0.00001; ExAC 0.00001; gnomAD 0.00002 and 0.00003; TOPMed 0.00003; ESP Exome Variant Server 0.00008.
gnomAD v4.1: 5 of 1,613,942 alleles (0.00031%); highest among the groups gnomAD compares: African/African-American, 0.004%; no homozygotes.

Submissions (5):

Ambry Genetics
Classification: Uncertain significance for Familial thoracic aortic aneurysm and aortic dissection. Last evaluated: 2025-09-25. Review status: criteria provided, single submitter. Criteria: Ambry Variant Classification Scheme 2023. Collection method: clinical testing. Allele origin: germline.
Comment: The p.A1176V variant (also known as c.3527C>T), located in coding exon 16 of the MYLK gene, results from a C to T substitution at nucleotide position 3527. The alanine at codon 1176 is replaced by valine, an amino acid with similar properties. This amino acid position is well conserved in available vertebrate species. In addition, this alteration is predicted to be tolerated by in silico analysis. Based on the available evidence, the clinical significance of this variant remains unclear.

GeneDx
Classification: Uncertain significance. Last evaluated: 2025-04-12. Review status: criteria provided, single submitter. Criteria: GeneDx Variant Classification Process June 2021. Collection method: clinical testing. Allele origin: germline. Affected: yes.
Comment: Not observed at significant frequency in large population cohorts (gnomAD); In silico analysis indicates that this missense variant does not alter protein structure/function; Has not been previously published as pathogenic or benign to our knowledge

Blueprint Genetics
Classification: Uncertain significance. Last evaluated: 2024-07-22. Review status: criteria provided, single submitter. Criteria: ACMG Guidelines, 2015. Collection method: clinical testing. Allele origin: germline.

Labcorp Genetics (formerly Invitae), Labcorp
Classification: Uncertain significance for Aortic aneurysm, familial thoracic 7. Last evaluated: 2024-07-14. Review status: criteria provided, single submitter. Criteria: Invitae Variant Classification Sherloc (09022015). Collection method: clinical testing. Allele origin: germline.
Comment: This sequence change replaces alanine, which is neutral and non-polar, with valine, which is neutral and non-polar, at codon 1176 of the MYLK protein (p.Ala1176Val). This variant is present in population databases (rs369094329, gnomAD 0.008%). This variant has not been reported in the literature in individuals affected with MYLK-related conditions. ClinVar contains an entry for this variant (Variation ID: 1351158). Advanced modeling of protein sequence and biophysical properties (such as structural, functional, and spatial information, amino acid conservation, physicochemical variation, residue mobility, and thermodynamic stability) performed at Invitae indicates that this missense variant is not expected to disrupt MYLK protein function with a negative predictive value of 80%. In summary, the available evidence is currently insufficient to determine the role of this variant in disease. Therefore, it has been classified as a Variant of Uncertain Significance.

PreventionGenetics, part of Exact Sciences
Classification: Uncertain significance for MYLK-related condition. Last evaluated: 2024-05-28. Review status: no assertion criteria provided. Collection method: clinical testing. Allele origin: germline. Not counted in ClinVar's aggregate classification.
Comment: The MYLK c.3527C>T variant is predicted to result in the amino acid substitution p.Ala1176Val. To our knowledge, this variant has not been reported in the literature. This variant is reported in 0.0080% of alleles in individuals of African descent in gnomAD. At this time, the clinical significance of this variant is uncertain due to the absence of conclusive functional and genetic evidence.